The following is an entry in ClinVar:

ClinVar aggregate classification (germline): Benign/Likely benign. Review status: criteria provided, multiple submitters, no conflicts (2 of 4 stars). 3 submissions from 3 submitters: Benign (2); Likely benign (1). Last evaluated 2026-01-28.

Allele frequency attached by ClinVar (database versions not stated): gnomAD exomes 0.00138 and 0.00210; ExAC 0.00231; 1000 Genomes Project 0.00459; ESP Exome Variant Server 0.00461; gnomAD 0.00539 and 0.00585; 1000 Genomes Project 30x 0.00547; TOPMed 0.00598.
gnomAD v4.1: 2,923 of 1,613,590 alleles (0.18%); highest among the groups gnomAD compares: African/African-American, 1.5%; 12 homozygotes.

Submissions (3):

Labcorp Genetics (formerly Invitae), Labcorp
Classification: Benign. Last evaluated: 2026-01-28. Review status: criteria provided, single submitter. Criteria: Invitae Variant Classification Sherloc (09022015). Collection method: clinical testing. Allele origin: germline.

Mayo Clinic Laboratories, Mayo Clinic
Classification: Benign. Last evaluated: 2025-01-14. Review status: criteria provided, single submitter. Criteria: ACMG Guidelines, 2015. Collection method: clinical testing. Allele origin: germline. Observed: 2 variant alleles.
Comment: BS1, BS2, BP4, BP7

Blueprint Genetics
Classification: Likely benign. Last evaluated: 2024-11-06. Review status: criteria provided, single submitter. Criteria: ACMG Guidelines, 2015. Collection method: clinical testing. Allele origin: germline.

NM_022047.4(DEF6):c.1884A>C (p.Ala628=)

Gene: DEF6 (DEF6 guanine nucleotide exchange factor; plus strand). Cytogenetic location: 6p21.31.
Variant type: single nucleotide variant.
Coding change: c.1884A>C on transcript NM_022047.4 (MANE Select); coding-DNA position 1884, A replaced by C.
Protein change: p.Ala628=; no amino-acid change (alanine 628 retained).
Molecular consequence: synonymous variant.
Genome position (GRCh38, 1-based): chr6:35,321,398, A>C. VCF-style: chr6-35321398-A-C. GRCh37 (hg19) VCF-style: chr6-35289175-A-C.
Other names: p.Ala628=.
Identifiers: ClinVar variation 1167029 (VCV001167029.11), dbSNP rs35277012, ClinGen allele CA3771032.